The following is an entry in ClinVar:

NM_004738.5(VAPB):c.629C>A (p.Ala210Glu)

Gene: VAPB (VAMP associated protein B and C; plus strand). Cytogenetic location: 20q13.32.
Variant type: single nucleotide variant.
Coding change: c.629C>A on transcript NM_004738.5 (MANE Select); coding-DNA position 629, C replaced by A.
Protein change: p.Ala210Glu; replaces alanine 210 with glutamic acid.
Molecular consequence: missense variant. On other transcripts: non-coding transcript variant (1).
Genome position (GRCh38, 1-based): chr20:58,444,132, C>A. VCF-style: chr20-58444132-C-A. GRCh37 (hg19) VCF-style: chr20-57019188-C-A.
Other names: c.267C>A, p.Ser89Arg (NM_001195677.2); short protein forms A210E, S89R.
Identifiers: ClinVar variation 1303979 (VCV001303979.2), dbSNP rs2123104993, ClinGen allele CA409440190.

ClinVar aggregate classification (germline): Uncertain significance (1 of 4 stars; one submission).

Allele frequency attached by ClinVar (database versions not stated): gnomAD exomes below 0.00001.
gnomAD v4.1: 1 of 1,614,206 alleles (0.000062%); highest among the groups gnomAD compares: Non-Finnish European, 0.000085%; no homozygotes.

Submission:

GeneDx
Classification: Uncertain significance. Last evaluated: 2020-06-03. Review status: criteria provided, single submitter. Criteria: GeneDx Variant Classification Process June 2021. Collection method: clinical testing. Allele origin: germline. Affected: yes.
Comment: Not observed in large population cohorts (Lek et al., 2016); In silico analysis supports that this missense variant does not alter protein structure/function; Has not been previously published as pathogenic or benign to our knowledge